The following is an entry in ClinVar:

ClinVar aggregate classification (germline): Uncertain significance. Review status: criteria provided, multiple submitters, no conflicts (2 of 4 stars). 2 submissions from 2 submitters: Uncertain significance (2). Last evaluated 2026-03-11.

Conditions:
Hereditary cancer-predisposing syndrome. Also called: Neoplastic Syndromes, Hereditary; Tumor predisposition; Hereditary Cancer Syndrome; Hereditary neoplastic syndrome. Identifiers: Orphanet 140162, MedGen C0027672, MeSH D009386, MONDO:0015356.
Hereditary breast ovarian cancer syndrome. Also called: Hereditary breast and ovarian cancer syndrome; Breast and ovarian cancer; Hereditary breast and ovarian cancer; Hereditary breast and/or ovarian cancer syndrome; BRCA1- and BRCA2-Associated Hereditary Breast and Ovarian Cancer; Hereditary breast and ovarian cancer syndrome (HBOC). Identifiers: Orphanet 145, MedGen C0677776, MeSH D061325, MONDO:0003582. Disease mechanism: loss of function.

Submissions (2):

Ambry Genetics
Classification: Uncertain significance for Hereditary cancer-predisposing syndrome. Last evaluated: 2026-03-11. Review status: criteria provided, single submitter. Criteria: Ambry Variant Classification Scheme 2023. Collection method: clinical testing. Allele origin: germline.
Comment: The c.316+4A>G intronic variant results from an A to G substitution 4 nucleotides after coding exon 2 in the BRCA2 gene. This nucleotide position is highly conserved in available vertebrate species. In silico splice site analysis predicts that this alteration will weaken the native splice donor site. RNA studies have demonstrated that this variant results in an incomplete splice defect; the clinical impact of this abnormal splicing is unknown at this time (Ambry internal data). Based on the available evidence, the clinical significance of this variant remains unclear.

Labcorp Genetics (formerly Invitae), Labcorp
Classification: Uncertain significance for Hereditary breast ovarian cancer syndrome. Last evaluated: 2022-11-22. Review status: criteria provided, single submitter. Criteria: Invitae Variant Classification Sherloc (09022015). Collection method: clinical testing. Allele origin: germline.
Comment: In summary, the available evidence is currently insufficient to determine the role of this variant in disease. Therefore, it has been classified as a Variant of Uncertain Significance. Variants that disrupt the consensus splice site are a relatively common cause of aberrant splicing (PMID: 17576681, 9536098). Algorithms developed to predict the effect of sequence changes on RNA splicing suggest that this variant may disrupt the consensus splice site. This variant has not been reported in the literature in individuals affected with BRCA2-related conditions. This variant is not present in population databases (gnomAD no frequency). This sequence change falls in intron 3 of the BRCA2 gene. It does not directly change the encoded amino acid sequence of the BRCA2 protein. It affects a nucleotide within the consensus splice site.

Literature cited by the submitters: PubMed 17576681 (cited by Labcorp Genetics (formerly Invitae), Labcorp); PubMed 9536098 (cited by Labcorp Genetics (formerly Invitae), Labcorp).

NM_000059.4(BRCA2):c.316+4A>G

Gene: BRCA2 (BRCA2 DNA repair associated; plus strand). Cytogenetic location: 13q13.1.
Variant type: single nucleotide variant.
Coding change: c.316+4A>G on transcript NM_000059.4 (MANE Select); 4 bases into the intron after coding-DNA position 316, A replaced by G.
Molecular consequence: intron variant.
Genome position (GRCh38, 1-based): chr13:32,319,329, A>G. VCF-style: chr13-32319329-A-G. GRCh37 (hg19) VCF-style: chr13-32893466-A-G.
Other names: c.316+4A>G (NM_000059.3).
Identifiers: ClinVar variation 2030357 (VCV002030357.5), dbSNP rs2548511608, ClinGen allele CA2580087080.